The following is an entry in ClinVar:

NM_024675.4(PALB2):c.2994A>G (p.Gly998=)

Gene: PALB2 (partner and localizer of BRCA2; minus strand). Cytogenetic location: 16p12.2.
Variant type: single nucleotide variant.
Coding change: c.2994A>G on transcript NM_024675.4 (MANE Select); coding-DNA position 2994, A replaced by G.
Protein change: p.Gly998=; no amino-acid change (glycine 998 retained).
Molecular consequence: synonymous variant.
Genome position (GRCh38, 1-based): chr16:23,622,971, T>C on the plus strand (A>G on the coding strand, the complement: PALB2 is on the minus strand). VCF-style: chr16-23622971-T-C. GRCh37 (hg19) VCF-style: chr16-23634292-T-C.
Identifiers: ClinVar variation 1301374 (VCV001301374.1), dbSNP rs2142334227, ClinGen allele CA494180363.

ClinVar aggregate classification (germline): Likely benign (1 of 4 stars; one submission).

Submission:

Women's Health and Genetics/Laboratory Corporation of America, LabCorp
Classification: Likely benign. Last evaluated: 2021-09-02. Review status: criteria provided, single submitter. Criteria: LabCorp Variant Classification Summary - May 2015. Collection method: clinical testing. Allele origin: germline.
Comment: Variant summary: PALB2 c.2994A>G (p.Gly998Gly) alters a conserved nucleotide located close to a canonical splice site and therefore could affect mRNA splicing, leading to a significantly altered protein sequence. 4/4 computational tools predict no significant impact on normal splicing. However, these predictions have yet to be confirmed by functional studies. The variant was absent in 251452 control chromosomes. The available data on variant occurrences in the general population are insufficient to allow any conclusion about variant significance. To our knowledge, no occurrence of c.2994A>G in individuals affected with Hereditary Breast And Ovarian Cancer Syndrome and no experimental evidence demonstrating its impact on protein function have been reported. No clinical diagnostic laboratories have submitted clinical-significance assessments for this variant to ClinVar after 2014. Based on the evidence outlined above, the variant was classified as likely benign.